The following is an entry in ClinVar:

NM_001291303.3(FAT4):c.11405C>T (p.Ser3802Phe)

Gene: FAT4 (FAT atypical cadherin 4; plus strand). Cytogenetic location: 4q28.1.
Variant type: single nucleotide variant.
Coding change: c.11405C>T on transcript NM_001291303.3 (MANE Select); coding-DNA position 11405, C replaced by T.
Protein change: p.Ser3802Phe; replaces serine 3802 with phenylalanine.
Molecular consequence: missense variant.
Genome position (GRCh38, 1-based): chr4:125,452,415, C>T. VCF-style: chr4-125452415-C-T. GRCh37 (hg19) VCF-style: chr4-126373570-C-T.
Other names: c.11405C>T, p.Ser3802Phe (NM_001291285.3); c.11399C>T, p.Ser3800Phe (NM_024582.6); short protein forms S3800F, S3802F.
Identifiers: ClinVar variation 380816 (VCV000380816.13), dbSNP rs75380987, ClinGen allele CA3073845.
Genomic context (GRCh38, chr4:125,452,415, plus strand): 5'-CCACCTTCTTTGAAAGCATCAAAGAGATCCTTCTCCGGCAGAGTGGAGTAAAGGTGGAAT[C>T]TGTGGATCATGACTCCTGTGTGCATGGCCCATGTCAGAATGGAGGGAGCTGTCTACGAAG-3'
Protein context (NP_001278232.1, residues 3792-3812): LLRQSGVKVE[Ser3802Phe]VDHDSCVHGP

ClinVar aggregate classification (germline): Benign. Review status: criteria provided, multiple submitters, no conflicts (2 of 4 stars). 6 submissions from 6 submitters: Benign (4). 2 of the submissions do not count toward it. Last evaluated 2026-02-03.

Allele frequency attached by ClinVar (database versions not stated): 1000 Genomes Project 0.01957; 1000 Genomes Project 30x 0.01968; TOPMed 0.02713; ESP Exome Variant Server 0.03137; gnomAD 0.03219 and 0.03221; gnomAD exomes 0.03705 and 0.04247; ExAC 0.03728.
gnomAD v4.1: 66,704 of 1,614,070 alleles (4.1%); highest among the groups gnomAD compares: Middle Eastern, 5.7%; 1,578 homozygotes.

Submissions (6):

Labcorp Genetics (formerly Invitae), Labcorp
Classification: Benign. Last evaluated: 2026-02-03. Review status: criteria provided, single submitter. Criteria: Invitae Variant Classification Sherloc (09022015). Collection method: clinical testing. Allele origin: germline.

Blueprint Genetics
Classification: Benign. Last evaluated: 2024-11-26. Review status: criteria provided, single submitter. Criteria: ACMG Guidelines, 2015. Collection method: clinical testing. Allele origin: germline.

GeneDx
Classification: Benign. Last evaluated: 2016-01-14. Review status: criteria provided, single submitter. Criteria: GeneDx Variant Classification (06012015). Collection method: clinical testing. Allele origin: germline. Affected: yes.
Comment: This variant is considered likely benign or benign based on one or more of the following criteria: it is a conservative change, it occurs at a poorly conserved position in the protein, it is predicted to be benign by multiple in silico algorithms, and/or has population frequency not consistent with disease.

Breakthrough Genomics
Classification: Benign. Review status: criteria provided, single submitter. Criteria: ACMG Guidelines, 2015. Collection method: not provided. Allele origin: germline. Inheritance: Autosomal recessive inheritance. Affected: yes.

Clinical Genetics DNA and cytogenetics Diagnostics Lab, Erasmus MC, Erasmus Medical Center
Classification: Benign. Review status: no assertion criteria provided. Collection method: clinical testing. Allele origin: germline. Affected: yes. Study: VKGL Data-share Consensus. Not counted in ClinVar's aggregate classification.

Clinical Genetics, Academic Medical Center
Classification: Benign. Review status: no assertion criteria provided. Collection method: clinical testing. Allele origin: germline. Affected: yes. Study: VKGL Data-share Consensus. Not counted in ClinVar's aggregate classification.